The following is an entry in ClinVar:

NM_005359.6(SMAD4):c.1588C>A (p.His530Asn)

Gene: SMAD4 (SMAD family member 4; plus strand). Cytogenetic location: 18q21.2.
Variant type: single nucleotide variant.
Coding change: c.1588C>A on transcript NM_005359.6 (MANE Select); coding-DNA position 1588, C replaced by A.
Protein change: p.His530Asn; replaces histidine 530 with asparagine.
Molecular consequence: missense variant.
Genome position (GRCh38, 1-based): chr18:51,078,396, C>A. VCF-style: chr18-51078396-C-A. GRCh37 (hg19) VCF-style: chr18-48604766-C-A.
Other names: short protein forms H530N.
Identifiers: ClinVar variation 648438 (VCV000648438.12), dbSNP rs754393017, ClinGen allele CA8966105.

ClinVar aggregate classification (germline): Conflicting classifications of pathogenicity. Review status: criteria provided, conflicting classifications (1 of 4 stars). 4 submissions from 4 submitters: Uncertain significance (3); Likely benign (1). Last evaluated 2026-07-07.

Conditions:
Hereditary cancer-predisposing syndrome. Also called: Neoplastic Syndromes, Hereditary; Hereditary Cancer Syndrome; Hereditary neoplastic syndrome; Tumor predisposition. Identifiers: Orphanet 140162, MedGen C0027672, MeSH D009386, MONDO:0015356.
Familial thoracic aortic aneurysm and aortic dissection (TAAD). Also called: Thoracic aortic aneurysms and dissections. Identifiers: Orphanet 91387, MedGen C4707243, MONDO:0019625.
Juvenile polyposis syndrome (JPS). Identifiers: Orphanet 2929, MedGen C0345893, MONDO:0017380, OMIM 174900.

Allele frequency attached by ClinVar (database versions not stated): TOPMed below 0.00001; gnomAD 0.00001; gnomAD exomes 0.00001; ExAC 0.00002.
gnomAD v4.1: 5 of 1,614,108 alleles (0.00031%); highest among the groups gnomAD compares: Non-Finnish European, 0.00042%; no homozygotes.

Submissions (4):

Ambry Genetics
Classification: Likely benign for Hereditary cancer-predisposing syndrome; Familial thoracic aortic aneurysm and aortic dissection. Last evaluated: 2026-07-07. Review status: criteria provided, single submitter. Criteria: Ambry Variant Classification Scheme 2023. Collection method: clinical testing. Allele origin: germline.

Labcorp Genetics (formerly Invitae), Labcorp
Classification: Uncertain significance for Juvenile polyposis syndrome. Last evaluated: 2025-09-29. Review status: criteria provided, single submitter. Criteria: Invitae Variant Classification Sherloc (09022015). Collection method: clinical testing. Allele origin: germline.
Comment: This sequence change replaces histidine, which is basic and polar, with asparagine, which is neutral and polar, at codon 530 of the SMAD4 protein (p.His530Asn). This variant is present in population databases (rs754393017, gnomAD 0.003%). This variant has not been reported in the literature in individuals affected with SMAD4-related conditions. ClinVar contains an entry for this variant (Variation ID: 648438). Invitae Evidence Modeling of protein sequence and biophysical properties (such as structural, functional, and spatial information, amino acid conservation, physicochemical variation, residue mobility, and thermodynamic stability) has been performed for this missense variant. However, the output from this modeling did not meet the statistical confidence thresholds required to predict the impact of this variant on SMAD4 protein function. In summary, the available evidence is currently insufficient to determine the role of this variant in disease. Therefore, it has been classified as a Variant of Uncertain Significance.

Color Diagnostics, LLC DBA Color Health
Classification: Uncertain significance for Hereditary cancer-predisposing syndrome. Last evaluated: 2025-06-23. Review status: criteria provided, single submitter. Criteria: ACMG Guidelines, 2015. Collection method: clinical testing. Allele origin: germline.
Comment: This missense variant replaces histidine with asparagine at codon 530 of the SMAD4 protein. Computational prediction suggests that this variant may have deleterious impact on protein structure and function. To our knowledge, functional studies have not been reported for this variant. This variant has not been reported in individuals affected with SMAD4-related disorders in the literature. This variant has been identified in 3/251440 chromosomes in the general population by the Genome Aggregation Database (gnomAD). The available evidence is insufficient to determine the role of this variant in disease conclusively. Therefore, this variant is classified as a Variant of Uncertain Significance.

GeneDx
Classification: Uncertain significance. Last evaluated: 2022-12-15. Review status: criteria provided, single submitter. Criteria: GeneDx Variant Classification Process June 2021. Collection method: clinical testing. Allele origin: germline. Affected: yes.
Comment: Not observed at significant frequency in large population cohorts (gnomAD); In silico analysis supports that this missense variant has a deleterious effect on protein structure/function; Has not been previously published as pathogenic or benign to our knowledge; This variant is associated with the following publications: (PMID: 17873119, 18823382, 15235019)